The following is an entry in ClinVar:

NM_014391.3(ANKRD1):c.697G>T (p.Glu233Ter)

Gene: ANKRD1 (ankyrin repeat domain 1; minus strand). Cytogenetic location: 10q23.31.
Variant type: single nucleotide variant.
Coding change: c.697G>T on transcript NM_014391.3 (MANE Select); coding-DNA position 697, G replaced by T.
Protein change: p.Glu233Ter; replaces glutamic acid 233 with a stop codon.
Molecular consequence: nonsense.
Genome position (GRCh38, 1-based): chr10:90,915,835, C>A on the plus strand (G>T on the coding strand, the complement: ANKRD1 is on the minus strand). VCF-style: chr10-90915835-C-A. GRCh37 (hg19) VCF-style: chr10-92675592-C-A.
Other names: short protein forms E233*.
Identifiers: ClinVar variation 4053893 (VCV004053893.1).

ClinVar aggregate classification (germline): Uncertain significance (1 of 4 stars; one submission).

Conditions:
Cardiovascular phenotype. Identifiers: MedGen CN230736.

Submission:

Ambry Genetics
Classification: Uncertain significance for Cardiovascular phenotype. Last evaluated: 2025-03-28. Review status: criteria provided, single submitter. Criteria: Ambry Variant Classification Scheme 2023. Collection method: clinical testing. Allele origin: germline.
Comment: The p.E233* variant (also known as c.697G>T), located in coding exon 7 of the ANKRD1 gene, results from a G to T substitution at nucleotide position 697. This changes the amino acid from a glutamic acid to a stop codon within coding exon 7. This alteration is expected to result in loss of function by premature protein truncation or nonsense-mediated mRNA decay. However, the evidence for this gene-disease relationship is limited; therefore, the clinical significance of this alteration is unclear.